The following is an entry in ClinVar:

ClinVar aggregate classification (germline): Uncertain significance. Review status: criteria provided, multiple submitters, no conflicts (2 of 4 stars). 2 submissions from 2 submitters: Uncertain significance (2). Last evaluated 2022-07-06.

Conditions:
Autosomal recessive inherited pseudoxanthoma elasticum (PXE). Identifiers: Orphanet 758, MedGen CN032334, MONDO:0009925, OMIM 264800.
Pseudoxanthoma elasticum, forme fruste. Also called: Pseudoxanthoma Elasticum, Incomplete; PSEUDOXANTHOMA ELASTICUM, HETEROZYGOUS. Identifiers: Orphanet 758, MedGen C1867450, MONDO:0008333, OMIM 177850.
Arterial calcification, generalized, of infancy, 2. Identifiers: Orphanet 51608, MedGen C3276161, MONDO:0013768, OMIM 614473.

Allele frequency attached by ClinVar (database versions not stated): gnomAD exomes below 0.00001; ExAC 0.00001.
gnomAD v4.1: 1 of 1,614,070 alleles (0.000062%); highest among the groups gnomAD compares: East Asian, 0.0022%; no homozygotes.

Submissions (2):

Labcorp Genetics (formerly Invitae), Labcorp
Classification: Uncertain significance. Last evaluated: 2022-07-06. Review status: criteria provided, single submitter. Criteria: Invitae Variant Classification Sherloc (09022015). Collection method: clinical testing. Allele origin: germline.
Comment: This sequence change replaces glutamic acid, which is acidic and polar, with lysine, which is basic and polar, at codon 896 of the ABCC6 protein (p.Glu896Lys). This variant is present in population databases (rs775243858, gnomAD 0.006%). This variant has not been reported in the literature in individuals affected with ABCC6-related conditions. ClinVar contains an entry for this variant (Variation ID: 1399946). In summary, the available evidence is currently insufficient to determine the role of this variant in disease. Therefore, it has been classified as a Variant of Uncertain Significance. Advanced modeling of protein sequence and biophysical properties (such as structural, functional, and spatial information, amino acid conservation, physicochemical variation, residue mobility, and thermodynamic stability) performed at Invitae indicates that this missense variant is not expected to disrupt ABCC6 protein function.

Fulgent Genetics
Classification: Uncertain significance for Pseudoxanthoma elasticum, forme fruste; Autosomal recessive inherited pseudoxanthoma elasticum; Arterial calcification, generalized, of infancy, 2. Last evaluated: 2022-04-21. Review status: criteria provided, single submitter. Criteria: ACMG Guidelines, 2015. Collection method: clinical testing. Allele origin: unknown.

NM_001171.6(ABCC6):c.2686G>A (p.Glu896Lys)

Gene: ABCC6 (ATP binding cassette subfamily C member 6; minus strand). Cytogenetic location: 16p13.11.
Variant type: single nucleotide variant.
Coding change: c.2686G>A on transcript NM_001171.6 (MANE Select); coding-DNA position 2686, G replaced by A.
Protein change: p.Glu896Lys; replaces glutamic acid 896 with lysine.
Molecular consequence: missense variant. On other transcripts: non-coding transcript variant (1).
Genome position (GRCh38, 1-based): chr16:16,173,385, C>T on the plus strand (G>A on the coding strand, the complement: ABCC6 is on the minus strand). VCF-style: chr16-16173385-C-T. GRCh37 (hg19) VCF-style: chr16-16267242-C-T.
Other names: c.2344G>A, p.Glu782Lys (NM_001351800.1); short protein forms E782K, E896K.
Identifiers: ClinVar variation 1399946 (VCV001399946.9), dbSNP rs775243858, ClinGen allele CA7925817.